The following is an entry in ClinVar:

ClinVar aggregate classification (germline): Uncertain significance (1 of 4 stars; one submission).

gnomAD v4.1: 2 of 1,614,168 alleles (0.00012%); highest among the groups gnomAD compares: Non-Finnish European, 0.00017%; no homozygotes.

Submission:

Labcorp Genetics (formerly Invitae), Labcorp
Classification: Uncertain significance. Last evaluated: 2023-06-20. Review status: criteria provided, single submitter. Criteria: Invitae Variant Classification Sherloc (09022015). Collection method: clinical testing. Allele origin: germline.
Comment: This variant is not present in population databases (gnomAD no frequency). In summary, the available evidence is currently insufficient to determine the role of this variant in disease. Therefore, it has been classified as a Variant of Uncertain Significance. Advanced modeling of protein sequence and biophysical properties (such as structural, functional, and spatial information, amino acid conservation, physicochemical variation, residue mobility, and thermodynamic stability) performed at Invitae indicates that this missense variant is expected to disrupt KANK1 protein function. This variant has not been reported in the literature in individuals affected with KANK1-related conditions. This sequence change replaces leucine, which is neutral and non-polar, with proline, which is neutral and non-polar, at codon 184 of the KANK1 protein (p.Leu184Pro).

NM_015158.5(KANK1):c.551T>C (p.Leu184Pro)

Gene: KANK1 (KN motif and ankyrin repeat domains 1; plus strand). Cytogenetic location: 9p24.3.
Variant type: single nucleotide variant.
Coding change: c.551T>C on transcript NM_015158.5 (MANE Select); coding-DNA position 551, T replaced by C.
Protein change: p.Leu184Pro; replaces leucine 184 with proline.
Molecular consequence: missense variant. On other transcripts: non-coding transcript variant (1).
Genome position (GRCh38, 1-based): chr9:711,317, T>C. VCF-style: chr9-711317-T-C. GRCh37 (hg19) VCF-style: chr9-711317-T-C.
Other names: c.551T>C, p.Leu184Pro (NM_001256876.3, NM_001256877.3, NM_001354331.2 and 2 more transcripts); c.77T>C, p.Leu26Pro (NM_001354333.2, NM_001354335.2, NM_001354336.2 and 9 more transcripts); short protein forms L184P, L26P.
Identifiers: ClinVar variation 2876125 (VCV002876125.3), dbSNP rs2539686712, ClinGen allele CA372746392.